The following is an entry in ClinVar:

NM_003104.6(SORD):c.290G>T (p.Gly97Val)

Gene: SORD (sorbitol dehydrogenase; plus strand). Cytogenetic location: 15q21.1.
Variant type: single nucleotide variant.
Coding change: c.290G>T on transcript NM_003104.6 (MANE Select); coding-DNA position 290, G replaced by T.
Protein change: p.Gly97Val; replaces glycine 97 with valine.
Molecular consequence: missense variant. On other transcripts: non-coding transcript variant (1).
Genome position (GRCh38, 1-based): chr15:45,061,091, G>T. VCF-style: chr15-45061091-G-T. GRCh37 (hg19) VCF-style: chr15-45353289-G-T.
Other names: short protein forms G97V.
Identifiers: ClinVar variation 4795521 (VCV004795521.1).

ClinVar aggregate classification (germline): Uncertain significance (1 of 4 stars; one submission).

Submission:

GeneDx
Classification: Uncertain significance. Last evaluated: 2025-08-11. Review status: criteria provided, single submitter. Criteria: GeneDx Variant Classification Process June 2021. Collection method: clinical testing. Allele origin: germline. Affected: yes.
Comment: Not observed at significant frequency in large population cohorts (gnomAD); In silico analysis supports that this missense variant has a deleterious effect on protein structure/function; Has not been previously published as pathogenic or benign to our knowledge